The following is an entry in ClinVar:

ClinVar aggregate classification (germline): Benign (1 of 4 stars; one submission).

Allele frequency attached by ClinVar (database versions not stated): gnomAD 0.67229 and 0.67417; TOPMed 0.68640; 1000 Genomes Project 30x 0.76889; 1000 Genomes Project 0.76897.
gnomAD v4.1: 102,381 of 152,170 alleles (67%); highest among the groups gnomAD compares: East Asian, 93%; 35,932 homozygotes.

Submission:

GeneDx
Classification: Benign. Last evaluated: 2018-06-14. Review status: criteria provided, single submitter. Criteria: GeneDx Variant Classification (06012015). Collection method: clinical testing. Allele origin: germline. Affected: yes.
Comment: This variant is considered likely benign or benign based on one or more of the following criteria: it is a conservative change, it occurs at a poorly conserved position in the protein, it is predicted to be benign by multiple in silico algorithms, and/or has population frequency not consistent with disease.

NM_017617.5(NOTCH1):c.2207+206T>C

Gene: NOTCH1 (notch receptor 1; minus strand). Cytogenetic location: 9q34.3.
Variant type: single nucleotide variant.
Coding change: c.2207+206T>C on transcript NM_017617.5 (MANE Select); 206 bases into the intron after coding-DNA position 2207, T replaced by C.
Molecular consequence: intron variant.
Genome position (GRCh38, 1-based): chr9:136,514,304, A>G on the plus strand (T>C on the coding strand, the complement: NOTCH1 is on the minus strand). VCF-style: chr9-136514304-A-G. GRCh37 (hg19) VCF-style: chr9-139408756-A-G.
Identifiers: ClinVar variation 678133 (VCV000678133.1), dbSNP rs3125005, ClinGen allele CA13004112.